The following is an entry in ClinVar:

ClinVar aggregate classification (germline): Uncertain significance (1 of 4 stars; one submission).

Conditions:
Idiopathic generalized epilepsy. Also called: EIG; Generalised epilepsy. Identifiers: MedGen C0270850, MONDO:0005579, OMIM 600669.
Hyperaldosteronism, familial, type IV (HALD4). Also called: FH IV; ALDOSTERONISM, PRIMARY, AND HYPERTENSION. Identifiers: Orphanet 642671, MedGen C4310756, MONDO:0014875, OMIM 617027.

Allele frequency attached by ClinVar (database versions not stated): TOPMed 0.00001.

Submission:

Labcorp Genetics (formerly Invitae), Labcorp
Classification: Uncertain significance for Idiopathic generalized epilepsy; Hyperaldosteronism, familial, type IV. Last evaluated: 2024-05-15. Review status: criteria provided, single submitter. Criteria: Invitae Variant Classification Sherloc (09022015). Collection method: clinical testing. Allele origin: germline.
Comment: This sequence change replaces arginine, which is basic and polar, with tryptophan, which is neutral and slightly polar, at codon 1675 of the CACNA1H protein (p.Arg1675Trp). This variant is not present in population databases (gnomAD no frequency). This variant has not been reported in the literature in individuals affected with CACNA1H-related conditions. ClinVar contains an entry for this variant (Variation ID: 1045921). Advanced modeling of protein sequence and biophysical properties (such as structural, functional, and spatial information, amino acid conservation, physicochemical variation, residue mobility, and thermodynamic stability) performed at Invitae indicates that this missense variant is expected to disrupt CACNA1H protein function with a positive predictive value of 80%. In summary, the available evidence is currently insufficient to determine the role of this variant in disease. Therefore, it has been classified as a Variant of Uncertain Significance.

NM_021098.3(CACNA1H):c.5023C>T (p.Arg1675Trp)

Gene: CACNA1H (calcium voltage-gated channel subunit alpha1 H; plus strand). Cytogenetic location: 16p13.3.
Variant type: single nucleotide variant.
Coding change: c.5023C>T on transcript NM_021098.3 (MANE Select); coding-DNA position 5023, C replaced by T.
Protein change: p.Arg1675Trp; replaces arginine 1675 with tryptophan.
Molecular consequence: missense variant.
Genome position (GRCh38, 1-based): chr16:1,215,065, C>T. VCF-style: chr16-1215065-C-T. GRCh37 (hg19) VCF-style: chr16-1265065-C-T.
Other names: c.5005C>T, p.Arg1669Trp (NM_001005407.2); short protein forms R1669W, R1675W.
Identifiers: ClinVar variation 1045921 (VCV001045921.8), dbSNP rs760740366, ClinGen allele CA394146254.